The following is an entry in ClinVar:

ClinVar aggregate classification (germline): Conflicting classifications of pathogenicity. Review status: criteria provided, conflicting classifications (1 of 4 stars). 4 submissions from 4 submitters: Uncertain significance (1); Likely benign (3). Last evaluated 2026-06-03.

Conditions:
Hereditary cancer-predisposing syndrome. Also called: Tumor predisposition; Neoplastic Syndromes, Hereditary; Hereditary neoplastic syndrome; Hereditary Cancer Syndrome. Identifiers: Orphanet 140162, MedGen C0027672, MeSH D009386, MONDO:0015356.
Hereditary breast ovarian cancer syndrome. Also called: Hereditary breast and ovarian cancer; Hereditary breast and ovarian cancer syndrome (HBOC); Hereditary breast and/or ovarian cancer syndrome; Breast and ovarian cancer; BRCA1- and BRCA2-Associated Hereditary Breast and Ovarian Cancer; Hereditary breast and ovarian cancer syndrome. Identifiers: Orphanet 145, MedGen C0677776, MeSH D061325, MONDO:0003582. Disease mechanism: loss of function.
Familial cancer of breast. Also called: Hereditary breast cancer; BREAST CANCER, FAMILIAL; hereditary breast carcinoma. Identifiers: Orphanet 227535, MedGen C0346153, MONDO:0016419, OMIM 114480. Disease mechanism: loss of function.

gnomAD v4.1: 1 of 1,490,544 alleles (0.000067%); highest among the groups gnomAD compares: Non-Finnish European, 0.000093%; no homozygotes.

Submissions (4):

Ambry Genetics
Classification: Likely benign for Hereditary cancer-predisposing syndrome. Last evaluated: 2026-06-03. Review status: criteria provided, single submitter. Criteria: Ambry Variant Classification Scheme 2023. Collection method: clinical testing. Allele origin: germline.

German Consortium for Hereditary Breast and Ovarian Cancer, University Hospital Cologne
Classification: Likely benign for Hereditary breast ovarian cancer syndrome. Last evaluated: 2024-05-28. Review status: criteria provided, single submitter. Criteria: ACMG Guidelines, 2015. Collection method: curation. Allele origin: germline.
Comment: Silent mutation with negative splice prediction; According to the ACMG SVI adaptation criteria we chose these criteria: PM2 (supporting pathogenic): not in gnomAD, BP4 (supporting benign): spliceAI: CHEK2: 0.0 REVEL: 0.061, BP7 (supporting benign): A synonymous (silent) variant for which splicing prediction algorithms predict no impact to the splice consensus sequence nor the creation of a new splice site AND the nucleotide is not highly conserved.

Labcorp Genetics (formerly Invitae), Labcorp
Classification: Uncertain significance for Familial cancer of breast. Last evaluated: 2023-10-08. Review status: criteria provided, single submitter. Criteria: Invitae Variant Classification Sherloc (09022015). Collection method: clinical testing. Allele origin: germline.
Comment: This sequence change affects codon 282 of the CHEK2 mRNA. It is a 'silent' change, meaning that it does not change the encoded amino acid sequence of the CHEK2 protein. It affects a nucleotide within the consensus splice site. This variant is not present in population databases (gnomAD no frequency). This variant has not been reported in the literature in individuals affected with CHEK2-related conditions. ClinVar contains an entry for this variant (Variation ID: 822471). Algorithms developed to predict the effect of sequence changes on RNA splicing suggest that this variant is not likely to affect RNA splicing. In summary, the available evidence is currently insufficient to determine the role of this variant in disease. Therefore, it has been classified as a Variant of Uncertain Significance.

Color Diagnostics, LLC DBA Color Health
Classification: Likely benign for Hereditary cancer-predisposing syndrome. Last evaluated: 2019-05-28. Review status: criteria provided, single submitter. Criteria: ACMG Guidelines, 2015. Collection method: clinical testing. Allele origin: germline.

NM_007194.4(CHEK2):c.846T>C (p.His282=)

Gene: CHEK2 (checkpoint kinase 2; minus strand). Cytogenetic location: 22q12.1.
Variant type: single nucleotide variant.
Coding change: c.846T>C on transcript NM_007194.4 (MANE Select); coding-DNA position 846, T replaced by C.
Protein change: p.His282=; no amino-acid change (histidine 282 retained).
Molecular consequence: synonymous variant.
Genome position (GRCh38, 1-based): chr22:28,710,006, A>G on the plus strand (T>C on the coding strand, the complement: CHEK2 is on the minus strand). VCF-style: chr22-28710006-A-G. GRCh37 (hg19) VCF-style: chr22-29105994-A-G.
Other names: c.975T>C, p.His325= (NM_001005735.3); c.183T>C, p.His61= (NM_001257387.3); c.645T>C, p.His215= (NM_001349956.3); c.846T>C, p.His282= (NM_145862.3).
Identifiers: ClinVar variation 822471 (VCV000822471.23), dbSNP rs987815892, ClinGen allele CA323020968.